The following is an entry in ClinVar:

ClinVar aggregate classification (germline): Uncertain significance (1 of 4 stars; one submission).

Conditions:
Inborn genetic diseases. Identifiers: MedGen C0950123, MeSH D030342.

gnomAD v4.1: 1 of 1,612,630 alleles (0.000062%); highest among the groups gnomAD compares: Admixed American, 0.0017%; no homozygotes.

Submission:

Ambry Genetics
Classification: Uncertain significance for Inborn genetic diseases. Last evaluated: 2024-04-27. Review status: criteria provided, single submitter. Criteria: Ambry Variant Classification Scheme 2023. Collection method: clinical testing. Allele origin: germline.
Comment: The p.K7N variant (also known as c.21G>C), located in coding exon 1 of the EPAS1 gene, results from a G to C substitution at nucleotide position 21. The lysine at codon 7 is replaced by asparagine, an amino acid with similar properties. This amino acid position is conserved. In addition, this alteration is predicted to be tolerated by in silico analysis. Based on the available evidence, the clinical significance of this variant remains unclear.

NM_001430.5(EPAS1):c.21G>C (p.Lys7Asn)

Genes: EPAS1 (endothelial PAS domain protein 1; plus strand), LOC129933655 (ATAC-STARR-seq lymphoblastoid silent region 11447; plus strand). Cytogenetic location: 2p21.
Variant type: single nucleotide variant.
Coding change: c.21G>C on transcript NM_001430.5 (MANE Select); coding-DNA position 21, G replaced by C.
Protein change: p.Lys7Asn; replaces lysine 7 with asparagine.
Molecular consequence: missense variant.
Genome position (GRCh38, 1-based): chr2:46,297,932, G>C. VCF-style: chr2-46297932-G-C. GRCh37 (hg19) VCF-style: chr2-46525071-G-C.
Other names: short protein forms K7N.
Identifiers: ClinVar variation 3275677 (VCV003275677.1).